The following is an entry in ClinVar:

ClinVar aggregate classification (germline): Uncertain significance (1 of 4 stars; one submission).

Allele frequency attached by ClinVar (database versions not stated): gnomAD exomes below 0.00001 and 0.00001; ExAC 0.00001.
gnomAD v4.1: 9 of 1,610,352 alleles (0.00056%); highest among the groups gnomAD compares: Non-Finnish European, 0.00076%; no homozygotes.

Submission:

Labcorp Genetics (formerly Invitae), Labcorp
Classification: Uncertain significance. Last evaluated: 2022-04-11. Review status: criteria provided, single submitter. Criteria: Invitae Variant Classification Sherloc (09022015). Collection method: clinical testing. Allele origin: germline.
Comment: This variant has not been reported in the literature in individuals affected with RETREG1-related conditions. In summary, the available evidence is currently insufficient to determine the role of this variant in disease. Therefore, it has been classified as a Variant of Uncertain Significance. Algorithms developed to predict the effect of missense changes on protein structure and function (SIFT, PolyPhen-2, Align-GVGD) all suggest that this variant is likely to be disruptive. ClinVar contains an entry for this variant (Variation ID: 583080). The frequency data for this variant in the population databases is considered unreliable, as metrics indicate poor data quality at this position in the gnomAD database. This sequence change replaces aspartic acid, which is acidic and polar, with tyrosine, which is neutral and polar, at codon 284 of the RETREG1 protein (p.Asp284Tyr).

NM_001034850.3(RETREG1):c.850G>T (p.Asp284Tyr)

Gene: RETREG1 (reticulophagy regulator 1; minus strand). Cytogenetic location: 5p15.1.
Variant type: single nucleotide variant.
Coding change: c.850G>T on transcript NM_001034850.3 (MANE Select); coding-DNA position 850, G replaced by T.
Protein change: p.Asp284Tyr; replaces aspartic acid 284 with tyrosine.
Molecular consequence: missense variant.
Genome position (GRCh38, 1-based): chr5:16,478,057, C>A on the plus strand (G>T on the coding strand, the complement: RETREG1 is on the minus strand). VCF-style: chr5-16478057-C-A. GRCh37 (hg19) VCF-style: chr5-16478166-C-A.
Other names: c.427G>T, p.Asp143Tyr (NM_019000.5); short protein forms D284Y, D143Y.
Identifiers: ClinVar variation 583080 (VCV000583080.8), dbSNP rs760751442, ClinGen allele CA3210322.